The following is an entry in ClinVar:

NM_014714.4(IFT140):c.1039C>T (p.Arg347Ter)

Genes: IFT140 (intraflagellar transport 140; minus strand), LOC105371046 (uncharacterized LOC105371046; plus strand). Cytogenetic location: 16p13.3.
Variant type: single nucleotide variant.
Coding change: c.1039C>T on transcript NM_014714.4 (MANE Select); coding-DNA position 1039, C replaced by T.
Protein change: p.Arg347Ter; replaces arginine 347 with a stop codon.
Molecular consequence: nonsense.
Genome position (GRCh38, 1-based): chr16:1,586,246, G>A on the plus strand (C>T on the coding strand, the complement: IFT140 is on the minus strand). VCF-style: chr16-1586246-G-A. GRCh37 (hg19) VCF-style: chr16-1636247-G-A.
Other names: short protein forms R347*.
Identifiers: ClinVar variation 1325702 (VCV001325702.14), dbSNP rs1166261279, ClinGen allele CA394216213.

ClinVar aggregate classification (germline): Pathogenic/Likely pathogenic. Review status: criteria provided, multiple submitters, no conflicts (2 of 4 stars). 8 submissions from 8 submitters: Pathogenic (7); Likely pathogenic (1). Last evaluated 2026-07-03.

Conditions:
Saldino-Mainzer syndrome (SRTD9). Also called: SHORT-RIB THORACIC DYSPLASIA 9 WITHOUT POLYDACTYLY; Renal dysplasia, retinal pigmentary dystrophy, cerebellar ataxia and skeletal dysplasia; short-rib thoracic dysplasia 9 with or without polydactyly; CONORENAL SYNDROME. Identifiers: Orphanet 140969, MedGen C1849437, MONDO:0009964, OMIM 266920.
Renal cyst. Also called: cystic kidneys; Cystic kidney disease; Renal cysts. Identifiers: MedGen C3887499, MONDO:0002473, HP:0000107.
IFT140-related disorders.
Retinal dystrophy. Also called: Inherited retinal dystrophy. Identifiers: Orphanet 71862, MedGen C0854723, MeSH D058499, MONDO:0019118, HP:0000556.
Fetal anomalies with a likely genetic cause.
Retinitis pigmentosa 80 (RP80). Identifiers: MedGen C4540439, MONDO:0054708, OMIM 617781.

Allele frequency attached by ClinVar (database versions not stated): gnomAD exomes below 0.00001; TOPMed below 0.00001.
gnomAD v4.1: 7 of 1,613,616 alleles (0.00043%); highest among the groups gnomAD compares: South Asian, 0.0044%; no homozygotes.

Submissions (8):

Genetics Laboratory, Great Ormond Street Hospital NHS Foundation Trust, North Thames Genomic Laboratory Hub
Classification: Pathogenic for Fetal anomalies with a likely genetic cause. Last evaluated: 2026-07-03. Review status: criteria provided, single submitter. Criteria: ACGS Best Practice Guidelines for Variant Classification in Rare Disease 2024 v1.2. Collection method: clinical testing. Allele origin: germline. Affected: yes.
Comment: PM2_moderate, PVS1_very-strong

Labcorp Genetics (formerly Invitae), Labcorp
Classification: Pathogenic for Saldino-Mainzer syndrome. Last evaluated: 2025-11-03. Review status: criteria provided, single submitter. Criteria: Invitae Variant Classification Sherloc (09022015). Collection method: clinical testing. Allele origin: germline.
Comment: This sequence change creates a premature translational stop signal (p.Arg347*) in the IFT140 gene. It is expected to result in an absent or disrupted protein product. Loss-of-function variants in IFT140 are known to be pathogenic (PMID: 22503633, 23418020, 24009529, 26216056). This variant is present in population databases (no rsID available, gnomAD 0.003%). This premature translational stop signal has been observed in individual(s) with retinal dystrophy (PMID: 31630094). In at least one individual the data is consistent with being in trans (on the opposite chromosome) from a pathogenic variant. ClinVar contains an entry for this variant (Variation ID: 1325702). Algorithms developed to predict the effect of sequence changes on RNA splicing suggest that this variant may create or strengthen a splice site. For these reasons, this variant has been classified as Pathogenic.

Victorian Clinical Genetics Services, Murdoch Childrens Research Institute
Classification: Pathogenic for Renal cyst. Last evaluated: 2024-10-10. Review status: criteria provided, single submitter. Criteria: ACMG Guidelines, 2015. Collection method: clinical testing. Allele origin: germline. Inheritance: Autosomal dominant inheritance. Affected: yes.
Comment: Based on the classification scheme VCGS_Germline_v1.3.4, this variant is classified as Pathogenic. Following criteria are met: 0102 - Loss of function is a known mechanism of disease in this gene and is associated with retinitis pigmentosa 80 (MIM#617781), short-rib thoracic dysplasia 9 with or without polydactyly (MIM#266920) and cystic kidney disease (MONDO:0002473), IFT140-related (PMID: 34890546). (I) 0108 - This gene is associated with both recessive and dominant disease. Retinitis pigmentosa 80 (MIM#617781) and short-rib thoracic dysplasia 9 with or without polydactyly (MIM#266920) are inherited in an autosomal recessive manner, while cystic kidney disease (MONDO:0002473), IFT140-related is inherited in an autosomal dominant manner (OMIM, PMID: 34890546). (I) 0112 - The dominant condition associated with this gene may have incomplete penetrance. Parents of children with short-rib thoracic dysplasia 9 with or without polydactyly, who carry a single pathogenic variant that has also previously been associated with the dominant cystic kidney disease phenotype, have been reported as unaffected (PMID: 34890546). However, these parents weren't specifically assessed for cystic kidney disease. (I) 0201 - Variant is predicted to cause nonsense-mediated decay (NMD) and loss of protein (premature termination codon is located at least 54 nucleotides upstream of the final exon-exon junction). (SP) 0251 - This variant is heterozygous. (I) 0304 - Variant is present in gnomAD <0.01 (v2: 1 heterozygote, 0 homozygotes). (SP) 0701 - Other NMD-predicted variants comparable to the one identified in this case have very strong previous evidence for pathogenicity (DECIPHER). These variants have been reported in families with later onset autosomal dominant polycystic kidney disease (PMID: 34890546) and autosomal recessive IFT140-related conditions (PMIDs: 22503633, 26968735). (SP) 0801 - This variant has strong previous evidence of pathogenicity in unrelated individuals. It has been classified as pathogenic by multiple clinical laboratories in ClinVar. This variant has been reported in an individual with autosomal dominant cystic kidney disease and has also been reported, along with a second variant in IFT140, in an individual with early onset retinal dystrophy (PMIDs: 34890546, 31630094). (SP) 0905 - No published segregation evidence has been identified for this variant. (I) 1007 - No published functional evidence has been identified for this variant. (I) 1208 - Inheritance information for this variant is not currently available in this individual. (I) Legend: (SP) - Supporting pathogenic, (I) - Information, (SB) - Supporting benign

Fulgent Genetics
Classification: Pathogenic for Saldino-Mainzer syndrome; Retinitis pigmentosa 80. Last evaluated: 2024-06-17. Review status: criteria provided, single submitter. Criteria: ACMG Guidelines, 2015. Collection method: clinical testing. Allele origin: germline.

Blueprint Genetics
Classification: Likely pathogenic for IFT140-related disorders. Last evaluated: 2022-11-17. Review status: criteria provided, single submitter. Criteria: ACMG Guidelines, 2015. Collection method: clinical testing. Allele origin: germline. Affected: yes. Observed: 4 variant alleles.

Eurofins-Biomnis
Classification: Pathogenic for Saldino-Mainzer syndrome. Last evaluated: 2022-09-23. Review status: criteria provided, single submitter. Criteria: Accession Criteria ClinVar Biomnis. Collection method: clinical testing. Allele origin: germline. Affected: yes. Observed: 1 heterozygote.

Institute of Human Genetics, University of Leipzig Medical Center
Classification: Pathogenic for Saldino-Mainzer syndrome. Last evaluated: 2021-10-07. Review status: criteria provided, single submitter. Criteria: ACMG Guidelines, 2015. Collection method: clinical testing. Allele origin: maternal. Affected: yes.
Comment: _x000D_ Criteria applied: PVS1, PM2_SUP_MOD, PM3

Institute of Human Genetics, Univ. Regensburg, Univ. Regensburg
Classification: Pathogenic for Retinal dystrophy. Last evaluated: 2019-01-01. Review status: criteria provided, single submitter. Criteria: ACMG Guidelines, 2015. Collection method: clinical testing. Allele origin: germline. Affected: yes.

Literature cited by the submitters: PubMed 22503633 (cited by Labcorp Genetics (formerly Invitae), Labcorp and Victorian Clinical Genetics Services, Murdoch Childrens Research Institute); PubMed 23418020 (cited by Labcorp Genetics (formerly Invitae), Labcorp); PubMed 24009529 (cited by Labcorp Genetics (formerly Invitae), Labcorp); PubMed 26216056 (cited by Labcorp Genetics (formerly Invitae), Labcorp); PubMed 31630094 (cited by 3 submitters); PubMed 26968735 (cited by Victorian Clinical Genetics Services, Murdoch Childrens Research Institute); PubMed 34890546 (cited by Victorian Clinical Genetics Services, Murdoch Childrens Research Institute and Institute of Human Genetics, Univ. Regensburg, Univ. Regensburg); PubMed 31964843 (cited by Institute of Human Genetics, Univ. Regensburg, Univ. Regensburg).